The following is an entry in ClinVar:

ClinVar aggregate classification (germline): Uncertain significance (1 of 4 stars; one submission).

Submission:

GeneDx
Classification: Uncertain significance. Last evaluated: 2024-05-16. Review status: criteria provided, single submitter. Criteria: GeneDx Variant Classification Process June 2021. Collection method: clinical testing. Allele origin: germline. Affected: yes.
Comment: Not observed at significant frequency in large population cohorts (gnomAD); In silico analysis supports that this missense variant has a deleterious effect on protein structure/function; Has not been previously published as pathogenic or benign to our knowledge

NM_004444.5(EPHB4):c.176A>G (p.Glu59Gly)

Gene: EPHB4 (EPH receptor B4; minus strand). Cytogenetic location: 7q22.1.
Variant type: single nucleotide variant.
Coding change: c.176A>G on transcript NM_004444.5 (MANE Select); coding-DNA position 176, A replaced by G.
Protein change: p.Glu59Gly; replaces glutamic acid 59 with glycine.
Molecular consequence: missense variant.
Genome position (GRCh38, 1-based): chr7:100,823,879, T>C on the plus strand (A>G on the coding strand, the complement: EPHB4 is on the minus strand). VCF-style: chr7-100823879-T-C. GRCh37 (hg19) VCF-style: chr7-100421501-T-C.
Other names: short protein forms E59G.
Identifiers: ClinVar variation 3378318 (VCV003378318.1).